The following is an entry in ClinVar:

NM_032383.5(HPS3):c.868C>T (p.Gln290Ter)

Gene: HPS3 (HPS3 biogenesis of lysosomal organelles complex 2 subunit 1; plus strand). Cytogenetic location: 3q24.
Variant type: single nucleotide variant.
Coding change: c.868C>T on transcript NM_032383.5 (MANE Select); coding-DNA position 868, C replaced by T.
Protein change: p.Gln290Ter; replaces glutamine 290 with a stop codon.
Molecular consequence: nonsense.
Genome position (GRCh38, 1-based): chr3:149,141,172, C>T. VCF-style: chr3-149141172-C-T. GRCh37 (hg19) VCF-style: chr3-148858959-C-T.
Other names: c.373C>T, p.Gln125Ter (NM_001308258.2); short protein forms Q125*, Q290*.
Identifiers: ClinVar variation 2676103 (VCV002676103.2), dbSNP rs766446900, ClinGen allele CA2659894.

ClinVar aggregate classification (germline): Pathogenic. Review status: criteria provided, multiple submitters, no conflicts (2 of 4 stars). 2 submissions from 2 submitters: Pathogenic (2). Last evaluated 2024-05-06.

Conditions:
Hermansky-Pudlak syndrome 3 (HPS3). Identifiers: Orphanet 231512, Orphanet 79430, MedGen C3888001, MONDO:0013555, OMIM 614072.

Allele frequency attached by ClinVar (database versions not stated): gnomAD exomes below 0.00001; ExAC 0.00001.
gnomAD v4.1: 6 of 1,609,894 alleles (0.00037%); highest among the groups gnomAD compares: South Asian, 0.0066%; no homozygotes.

Submissions (2):

Myriad Genetics, Inc.
Classification: Pathogenic for Hermansky-Pudlak syndrome 3. Last evaluated: 2024-05-06. Review status: criteria provided, single submitter. Criteria: Myriad Autosomal Dominant, Autosomal Recessive and X-Linked Classification Criteria (2023). Collection method: clinical testing. Allele origin: unknown.
Comment: NM_032383.3(HPS3):c.868C>T(Q290*) is expected to be pathogenic in the context of Hermansky-Pudlak syndrome, HPS3-related. This variant is predicted to lead to an abnormal or absent protein product due to the creation of a premature termination codon in HPS3, a gene where loss-of-function variants are known to be pathogenic. Please note: this variant was assessed in the context of healthy population screening.

Baylor Genetics
Classification: Pathogenic for Hermansky-Pudlak syndrome 3. Last evaluated: 2022-09-13. Review status: criteria provided, single submitter. Criteria: ACMG Guidelines, 2015. Collection method: clinical testing. Allele origin: unknown.